The following is an entry in ClinVar:

NM_000256.3(MYBPC3):c.1053G>C (p.Arg351Ser)

Gene: MYBPC3 (myosin binding protein C3; minus strand). Cytogenetic location: 11p11.2.
Variant type: single nucleotide variant.
Coding change: c.1053G>C on transcript NM_000256.3 (MANE Select); coding-DNA position 1053, G replaced by C.
Protein change: p.Arg351Ser; replaces arginine 351 with serine.
Molecular consequence: missense variant.
Genome position (GRCh38, 1-based): chr11:47,346,244, C>G on the plus strand (G>C on the coding strand, the complement: MYBPC3 is on the minus strand). VCF-style: chr11-47346244-C-G. GRCh37 (hg19) VCF-style: chr11-47367795-C-G.
Other names: short protein forms R351S.
Identifiers: ClinVar variation 1777923 (VCV001777923.2), dbSNP rs2095893951, ClinGen allele CA380331159.

ClinVar aggregate classification (germline): Uncertain significance (1 of 4 stars; one submission).

Conditions:
Cardiovascular phenotype. Identifiers: MedGen CN230736.

Submission:

Ambry Genetics
Classification: Uncertain significance for Cardiovascular phenotype. Last evaluated: 2021-07-16. Review status: criteria provided, single submitter. Criteria: Ambry Variant Classification Scheme 2023. Collection method: clinical testing. Allele origin: germline.
Comment: The p.R351S variant (also known as c.1053G>C), located in coding exon 12 of the MYBPC3 gene, results from a G to C substitution at nucleotide position 1053. The arginine at codon 351 is replaced by serine, an amino acid with dissimilar properties. This amino acid position is highly conserved in available vertebrate species. In addition, this alteration is predicted to be deleterious by in silico analysis. Since supporting evidence is limited at this time, the clinical significance of this alteration remains unclear.